The following is an entry in ClinVar:

ClinVar aggregate classification (germline): Pathogenic/Likely pathogenic. Review status: criteria provided, multiple submitters, no conflicts (2 of 4 stars). 6 submissions from 6 submitters: Pathogenic (2); Likely pathogenic (3). 1 of the submissions does not count toward it. Last evaluated 2026-01-25.

Conditions:
GFM1-related disorders.
Hepatoencephalopathy due to combined oxidative phosphorylation defect type 1. Also called: HEPATOENCEPHALOPATHY, EARLY FATAL PROGRESSIVE. Identifiers: Orphanet 137681, MedGen C1836797, MONDO:0012191, OMIM 609060.
Combined oxidative phosphorylation deficiency. Identifiers: MedGen C4540031, MONDO:0000732.

Allele frequency attached by ClinVar (database versions not stated): gnomAD exomes 0.00002 and 0.00011; TOPMed 0.00003; ExAC 0.00008.
gnomAD v4.1: 32 of 1,534,632 alleles (0.0021%); highest among the groups gnomAD compares: Admixed American, 0.027%; no homozygotes.

Submissions (6):

Labcorp Genetics (formerly Invitae), Labcorp
Classification: Likely pathogenic. Last evaluated: 2026-01-25. Review status: criteria provided, single submitter. Criteria: Invitae Variant Classification Sherloc (09022015). Collection method: clinical testing. Allele origin: germline.
Comment: This sequence change falls in intron 5 of the GFM1 gene. It does not directly change the encoded amino acid sequence of the GFM1 protein. RNA analysis indicates that this variant induces altered splicing and likely results in the gain of 19 amino acid residue(s), but is expected to preserve the integrity of the reading-frame. This variant is present in population databases (rs751069628, gnomAD 0.05%). This variant has been observed in individual(s) with clinical features of combined oxidative phosphorylation deficiency (PMID: 28216230, 31683770). In at least one individual the data is consistent with being in trans (on the opposite chromosome) from a pathogenic variant. It has also been observed to segregate with disease in related individuals. ClinVar contains an entry for this variant (Variation ID: 509754). Algorithms developed to predict the effect of variants on gene product structure and function are not available or were not evaluated for this variant. Experimental studies have shown that this variant affects GFM1 function (PMID: 28216230). Studies have shown that this variant results in the activation of a cryptic splice site in intron 5 (PMID: 28216230, 31683770). In summary, the currently available evidence indicates that the variant is pathogenic, but additional data are needed to prove that conclusively. Therefore, this variant has been classified as Likely Pathogenic.

Natera, Inc.
Classification: Likely pathogenic for Combined oxidative phosphorylation deficiency 1. Last evaluated: 2025-06-26. Review status: criteria provided, single submitter. Criteria: Natera Variant Classification Schema (03/2026). Collection method: clinical testing. Allele origin: germline.
Comment: The c.689+908G>A variant in GFM1 is an intronic variant located outside the canonical splice sites. This variant is rare in the general population with a frequency below the threshold expected for the associated phenotype(s). This variant has been observed in one or more individuals affected with the associated recessive disease, as either homozygous or compound heterozygous with a second variant (PMID: 31683770, 28216230). Additionally, this variant has been observed to segregate in affected family members (PMID: 28216230). Functional studies show that this variant may disrupt protein function (PMID: 31683770, 28216230). Given the available evidence, this variant is classified as Likely Pathogenic.

Women's Health and Genetics/Laboratory Corporation of America, LabCorp
Classification: Likely pathogenic for Hepatoencephalopathy due to combined oxidative phosphorylation defect type 1. Last evaluated: 2024-11-19. Review status: criteria provided, single submitter. Criteria: LabCorp Variant Classification Summary - May 2015. Collection method: clinical testing. Allele origin: germline.
Comment: Variant summary: GFM1 c.689+908G>A is located at a position not widely known to affect splicing. Several computational tools predict a significant impact on normal splicing: Four predict the variant strengthens a cryptic 5' donor site. At least one publication reports experimental evidence that this variant affects mRNA splicing, resulting in an in-frame insertion of 19 amino acid residues (Simon_2017, Bravo-Alonso_2019). The variant allele was found at a frequency of 0.00011 in 134600 control chromosomes. This frequency is not significantly higher than estimated for a pathogenic variant in GFM1 causing Combined Oxidative Phosphorylation Deficiency 1 (0.00011 vs 0.0011), allowing no conclusion about variant significance. c.689+908G>A has been reported in the literature in compound heterozygous individuals affected with Combined Oxidative Phosphorylation Deficiency 1 (Simon_2017, Bravo-Alonso_2019). These data indicate that the variant may be associated with disease. The following publications have been ascertained in the context of this evaluation (PMID: 31683770, 28216230). ClinVar contains an entry for this variant (Variation ID: 509754). Based on the evidence outlined above, the variant was classified as likely pathogenic.

Blueprint Genetics
Classification: Pathogenic for GFM1-related disorders. Last evaluated: 2024-03-27. Review status: criteria provided, single submitter. Criteria: ACMG Guidelines, 2015. Collection method: clinical testing. Allele origin: germline. Affected: yes. Observed: 2 variant alleles.

GeneDx
Classification: Pathogenic. Last evaluated: 2022-12-15. Review status: criteria provided, single submitter. Criteria: GeneDx Variant Classification Process June 2021. Collection method: clinical testing. Allele origin: germline. Affected: yes.
Comment: Published functional studies demonstrate impaired splicing and the alternative transcript damages protein expression and function (Simon et al., 2017; Bravo-Alonso et al., 2019); In silico analysis supports a deleterious effect on splicing; This variant is associated with the following publications: (PMID: 31683770, 28216230)

University of Washington Center for Mendelian Genomics, University of Washington
Classification: Likely pathogenic for combined oxidative phosphorylation deficiency. Last evaluated: 2017-05-25. Review status: no assertion criteria provided. Collection method: research. Allele origin: unknown. Affected: yes. Observed: 1 heterozygote, 1 compound heterozygote. Not counted in ClinVar's aggregate classification.

Literature cited by the submitters: PubMed 28216230 (cited by 4 submitters); PubMed 31683770 (cited by 3 submitters).

NM_024996.7(GFM1):c.689+908G>A

Gene: GFM1 (G elongation factor mitochondrial 1; plus strand). Cytogenetic location: 3q25.32.
Variant type: single nucleotide variant.
Coding change: c.689+908G>A on transcript NM_024996.7 (MANE Select); 908 bases into the intron after coding-DNA position 689, G replaced by A.
Molecular consequence: intron variant.
Genome position (GRCh38, 1-based): chr3:158,650,065, G>A. VCF-style: chr3-158650065-G-A. GRCh37 (hg19) VCF-style: chr3-158367854-G-A.
Other names: c.746+4G>A (NM_001308164.2, NM_001374355.1); c.464+908G>A (NM_001374357.1); c.573-2031G>A (NM_001374356.1); c.122+908G>A (NM_001374359.1, NM_001374360.1); c.6-2031G>A (NM_001374361.1); c.235-2035G>A (NM_001374358.1); c.689+908G>A (NM_001308166.2).
Identifiers: ClinVar variation 509754 (VCV000509754.16), dbSNP rs751069628, ClinGen allele CA2682393.